The following is an entry in ClinVar:

ClinVar aggregate classification (germline): Uncertain significance (1 of 4 stars; one submission).

Allele frequency attached by ClinVar (database versions not stated): gnomAD exomes below 0.00001.
gnomAD v4.1: 1 of 1,613,680 alleles (0.000062%); highest among the groups gnomAD compares: Non-Finnish European, 0.000085%; no homozygotes.

Submission:

Labcorp Genetics (formerly Invitae), Labcorp
Classification: Uncertain significance. Last evaluated: 2023-08-17. Review status: criteria provided, single submitter. Criteria: Invitae Variant Classification Sherloc (09022015). Collection method: clinical testing. Allele origin: germline.
Comment: In summary, the available evidence is currently insufficient to determine the role of this variant in disease. Therefore, it has been classified as a Variant of Uncertain Significance. An algorithm developed to predict the effect of missense changes on protein structure and function (PolyPhen-2) suggests that this variant is likely to be tolerated. This variant has not been reported in the literature in individuals affected with YME1L1-related conditions. This variant is not present in population databases (gnomAD no frequency). This sequence change replaces phenylalanine, which is neutral and non-polar, with tyrosine, which is neutral and polar, at codon 142 of the YME1L1 protein (p.Phe142Tyr).

NM_014263.4(YME1L1):c.254T>A (p.Phe85Tyr)

Gene: YME1L1 (YME1 like 1 ATPase; minus strand). Cytogenetic location: 10p12.1.
Variant type: single nucleotide variant.
Coding change: c.254T>A on transcript NM_014263.4 (MANE Select); coding-DNA position 254, T replaced by A.
Protein change: p.Phe85Tyr; replaces phenylalanine 85 with tyrosine.
Molecular consequence: missense variant.
Genome position (GRCh38, 1-based): chr10:27,145,505, A>T on the plus strand (T>A on the coding strand, the complement: YME1L1 is on the minus strand). VCF-style: chr10-27145505-A-T. GRCh37 (hg19) VCF-style: chr10-27434434-A-T.
Other names: c.254T>A, p.Phe85Tyr (NM_001253866.2); c.425T>A, p.Phe142Tyr (NM_139312.3); short protein forms F142Y, F85Y.
Identifiers: ClinVar variation 2843620 (VCV002843620.3), dbSNP rs2539472762, ClinGen allele CA376377055.